The following is an entry in ClinVar:

NM_020964.3(EPG5):c.4475C>G (p.Ala1492Gly)

Gene: EPG5 (ectopic P-granules 5 autophagy tethering factor; minus strand). Cytogenetic location: 18q21.1.
Variant type: single nucleotide variant.
Coding change: c.4475C>G on transcript NM_020964.3 (MANE Select); coding-DNA position 4475, C replaced by G.
Protein change: p.Ala1492Gly; replaces alanine 1492 with glycine.
Molecular consequence: missense variant.
Genome position (GRCh38, 1-based): chr18:45,901,167, G>C on the plus strand (C>G on the coding strand, the complement: EPG5 is on the minus strand). VCF-style: chr18-45901167-G-C. GRCh37 (hg19) VCF-style: chr18-43481132-G-C.
Other names: c.4475C>G, p.Ala1492Gly (NM_001410858.1, NM_001410859.1); short protein forms A1492G.
Identifiers: ClinVar variation 2972885 (VCV002972885.3), dbSNP rs2511712135, ClinGen allele CA402337998.

ClinVar aggregate classification (germline): Uncertain significance (1 of 4 stars; one submission).

Conditions:
Vici syndrome (VICIS). Identifiers: Orphanet 1493, MedGen C1855772, MONDO:0009452, OMIM 242840.

Submission:

Labcorp Genetics (formerly Invitae), Labcorp
Classification: Uncertain significance for Vici syndrome. Last evaluated: 2023-04-06. Review status: criteria provided, single submitter. Criteria: Invitae Variant Classification Sherloc (09022015). Collection method: clinical testing. Allele origin: germline.
Comment: This sequence change replaces alanine, which is neutral and non-polar, with glycine, which is neutral and non-polar, at codon 1492 of the EPG5 protein (p.Ala1492Gly). This variant is not present in population databases (gnomAD no frequency). This missense change has been observed in individual(s) with Vici syndrome (PMID: 31625567). An algorithm developed to predict the effect of missense changes on protein structure and function (PolyPhen-2) suggests that this variant is likely to be tolerated. In summary, the available evidence is currently insufficient to determine the role of this variant in disease. Therefore, it has been classified as a Variant of Uncertain Significance.

Literature cited by the submitters: PubMed 31625567.